The following is an entry in ClinVar:

ClinVar aggregate classification (germline): Pathogenic/Likely pathogenic. Review status: criteria provided, multiple submitters, no conflicts (2 of 4 stars). 3 submissions from 3 submitters: Pathogenic (1); Likely pathogenic (2). Last evaluated 2025-09-21.

Conditions:
Fanconi anemia complementation group A (FANCA). Also called: Fanconi anemia, group A; FANCA-Related Fanconi Anemia. Identifiers: Orphanet 84, MedGen C3469521, MONDO:0009215, OMIM 227650.
Fanconi anemia (FA). Also called: Fanconi's anemia. Identifiers: Orphanet 84, MedGen C0015625, MeSH D005199, MONDO:0019391.

Submissions (3):

Labcorp Genetics (formerly Invitae), Labcorp
Classification: Pathogenic for Fanconi anemia. Last evaluated: 2025-09-21. Review status: criteria provided, single submitter. Criteria: Invitae Variant Classification Sherloc (09022015). Collection method: clinical testing. Allele origin: germline.
Comment: This sequence change creates a premature translational stop signal (p.Trp451*) in the FANCA gene. It is expected to result in an absent or disrupted protein product. Loss-of-function variants in FANCA are known to be pathogenic (PMID: 19367192). This variant is not present in population databases (gnomAD no frequency). This variant has not been reported in the literature in individuals affected with FANCA-related conditions. ClinVar contains an entry for this variant (Variation ID: 1704480). For these reasons, this variant has been classified as Pathogenic.

Baylor Genetics
Classification: Likely pathogenic for Fanconi anemia complementation group A. Last evaluated: 2023-05-22. Review status: criteria provided, single submitter. Criteria: ACMG Guidelines, 2015. Collection method: clinical testing. Allele origin: unknown.

Women's Health and Genetics/Laboratory Corporation of America, LabCorp
Classification: Likely pathogenic for Fanconi anemia. Last evaluated: 2022-07-14. Review status: criteria provided, single submitter. Criteria: LabCorp Variant Classification Summary - May 2015. Collection method: clinical testing. Allele origin: germline.
Comment: Variant summary: FANCA c.1352G>A (p.Trp451X) results in a premature termination codon, predicted to cause a truncation of the encoded protein or absence of the protein due to nonsense mediated decay, which are commonly known mechanisms for disease. Truncations downstream of this position have been classified as pathogenic by our laboratory. The variant was absent in 250402 control chromosomes (gnomAD). To our knowledge, no occurrence of c.1352G>A in individuals affected with Fanconi Anemia and no experimental evidence demonstrating its impact on protein function have been reported. No clinical diagnostic laboratories have submitted clinical-significance assessments for this variant to ClinVar after 2014. Based on the evidence outlined above, the variant was classified as likely pathogenic.

Literature cited by the submitters: PubMed 19367192 (cited by Labcorp Genetics (formerly Invitae), Labcorp).

NM_000135.4(FANCA):c.1352G>A (p.Trp451Ter)

Gene: FANCA (FA complementation group A; minus strand). Cytogenetic location: 16q24.3.
Variant type: single nucleotide variant.
Coding change: c.1352G>A on transcript NM_000135.4 (MANE Select); coding-DNA position 1352, G replaced by A.
Protein change: p.Trp451Ter; replaces tryptophan 451 with a stop codon.
Molecular consequence: nonsense.
Genome position (GRCh38, 1-based): chr16:89,791,410, C>T on the plus strand (G>A on the coding strand, the complement: FANCA is on the minus strand). VCF-style: chr16-89791410-C-T. GRCh37 (hg19) VCF-style: chr16-89857818-C-T.
Other names: c.1352G>A, p.Trp451Ter (NM_001286167.3); short protein forms W451*.
Identifiers: ClinVar variation 1704480 (VCV001704480.3), dbSNP rs2040072957, ClinGen allele CA397463621.